The following is an entry in ClinVar:

NM_000388.4(CASR):c.2629G>A (p.Ala877Thr)

Gene: CASR (calcium sensing receptor; plus strand). Cytogenetic location: 3q21.1.
Variant type: single nucleotide variant.
Coding change: c.2629G>A on transcript NM_000388.4 (MANE Select); coding-DNA position 2629, G replaced by A.
Protein change: p.Ala877Thr; replaces alanine 877 with threonine.
Molecular consequence: missense variant.
Genome position (GRCh38, 1-based): chr3:122,284,583, G>A. VCF-style: chr3-122284583-G-A. GRCh37 (hg19) VCF-style: chr3-122003430-G-A.
Other names: c.2659G>A, p.Ala887Thr (NM_001178065.2); short protein forms A887T, A877T.
Identifiers: ClinVar variation 1437540 (VCV001437540.8), dbSNP rs2107650865, ClinGen allele CA354160444.
Genomic context (GRCh38, chr3:122,284,583, plus strand): 5'-ATCTACATCATTCTCTTCAAGCCATCCCGCAACACCATCGAGGAGGTGCGTTGCAGCACC[G>A]CAGCTCACGCTTTCAAGGTGGCTGCCCGGGCCACGCTGCGCCGCAGCAACGTCTCCCGCA-3'
Protein context (NP_000379.3, residues 867-887): NTIEEVRCST[Ala877Thr]AHAFKVAARA

ClinVar aggregate classification (germline): Uncertain significance (1 of 4 stars; one submission).

Conditions:
Familial hypocalciuric hypercalcemia (FHH). Also called: Familial benign hypercalcemia. Identifiers: Orphanet 405, MedGen C1809471, MONDO:0018458.
Autosomal dominant hypocalcemia 1 (HYPOC1). Also called: HYPOCALCEMIA, FAMILIAL. Identifiers: MedGen C3715128, MONDO:0011013, OMIM 601198.

Submission:

Labcorp Genetics (formerly Invitae), Labcorp
Classification: Uncertain significance for Familial hypocalciuric hypercalcemia; Autosomal dominant hypocalcemia 1. Last evaluated: 2024-03-20. Review status: criteria provided, single submitter. Criteria: Invitae Variant Classification Sherloc (09022015). Collection method: clinical testing. Allele origin: germline.
Comment: This sequence change replaces alanine, which is neutral and non-polar, with threonine, which is neutral and polar, at codon 877 of the CASR protein (p.Ala877Thr). This variant is not present in population databases (gnomAD no frequency). This variant has not been reported in the literature in individuals affected with CASR-related conditions. ClinVar contains an entry for this variant (Variation ID: 1437540). An algorithm developed to predict the effect of missense changes on protein structure and function (PolyPhen-2) suggests that this variant is likely to be disruptive. In summary, the available evidence is currently insufficient to determine the role of this variant in disease. Therefore, it has been classified as a Variant of Uncertain Significance.